The following is an entry in ClinVar:

NM_004415.4(DSP):c.5460dup (p.Val1821fs)

Gene: DSP (desmoplakin; plus strand). Cytogenetic location: 6p24.3.
Variant type: Duplication.
Coding change: c.5460dup on transcript NM_004415.4 (MANE Select); coding-DNA position 5460, one base duplicated (A; older notation c.5460dupA).
Protein change: p.Val1821fs; shifts the reading frame from valine 1821.
Molecular consequence: frameshift variant.
Genome position (GRCh38, 1-based): chr6:7,582,722, A duplicated; the last of 3 consecutive A bases (chr6:7,582,720-7,582,722); duplicating any one gives the same sequence. VCF-style (leftmost placement, unchanged base first): chr6-7582719-C-CA. GRCh37 (hg19) VCF-style: chr6-7582952-C-CA.
Other names: c.3663dup, p.Val1222fs (NM_001008844.3); c.4131dup, p.Val1378fs (NM_001319034.2); c.5460dup (LRG_423t1); c.5460dupA (NM_004415.2); short protein forms V1378fs, V1222fs, V1821fs.
Identifiers: ClinVar variation 464966 (VCV000464966.12), dbSNP rs1554108609, ClinGen allele CA658657576.

ClinVar aggregate classification (germline): Pathogenic/Likely pathogenic. Review status: criteria provided, multiple submitters, no conflicts (2 of 4 stars). 3 submissions from 3 submitters: Pathogenic (2); Likely pathogenic (1). Last evaluated 2022-12-21.

Conditions:
Arrhythmogenic cardiomyopathy with wooly hair and keratoderma. Also called: Dilated cardiomyopathy with woolly hair and keratoderma; PALMOPLANTAR KERATODERMA WITH LEFT VENTRICULAR CARDIOMYOPATHY AND WOOLLY HAIR; Arrhythmogenic cardiomyopathy with woolly hair and keratoderma; Carvajal syndrome. Identifiers: Orphanet 65282, MedGen C1854063, MONDO:0011581, OMIM 605676.
Arrhythmogenic right ventricular dysplasia 8 (ARVD8). Also called: Arrhythmogenic Right Ventricular Dysplasia/Cardiomyopathy 8; ARRHYTHMOGENIC RIGHT VENTRICULAR DYSPLASIA, FAMILIAL, 8; ARRHYTHMOGENIC RIGHT VENTRICULAR CARDIOMYOPATHY 8. Identifiers: MedGen C1843896, MONDO:0011831, OMIM 607450.
Cardiovascular phenotype. Identifiers: MedGen CN230736.

Submissions (3):

Ambry Genetics
Classification: Pathogenic for Cardiovascular phenotype. Last evaluated: 2022-12-21. Review status: criteria provided, single submitter. Criteria: Ambry Variant Classification Scheme 2023. Collection method: clinical testing. Allele origin: germline.
Comment: The c.5460dupA pathogenic mutation, located in coding exon 24 of the DSP gene, results from a duplication of A at nucleotide position 5460, causing a translational frameshift with a predicted alternate stop codon (p.V1821Sfs*15). This alteration occurs at the 3' terminus of the DSP gene, is not expected to trigger nonsense-mediated mRNA decay, and only impacts the last 36% of the protein. However, premature stop codons are typically deleterious in nature and the impacted region is critical for protein function (Ambry internal data). Alterations in DSP that result in haploinsufficiency or protein truncation have been reported in patients with arrhythmogenic right ventricular cardiomyopathy (ARVC) and dilated cardiomyopathy (DCM) (Fressart V et al. Europace. 2010;12(6):861-8; Elliott P et al. Circ Cardiovasc Genet. 2010;3(4):314-22; Quarta G et al. Circulation. 2011;123(23):2701-9; Garcia-Pavia P et al. Heart. 2011;97(21):1744-52; Rasmussen TB et al. Clin Genet. 2013;84(1):20-30; Pugh TJ et al. Genet Med. 2014;16(8):601-8). This variant is considered to be rare based on population cohorts in the Genome Aggregation Database (gnomAD). Based on the supporting evidence, this alteration is interpreted as a disease-causing mutation.

Labcorp Genetics (formerly Invitae), Labcorp
Classification: Pathogenic for Arrhythmogenic cardiomyopathy with wooly hair and keratoderma; Arrhythmogenic right ventricular dysplasia 8. Last evaluated: 2018-05-17. Review status: criteria provided, single submitter. Criteria: Invitae Variant Classification Sherloc (09022015). Collection method: clinical testing. Allele origin: germline.
Comment: For these reasons, this variant has been classified as Pathogenic. A different truncation (p.Ser2168Argfs*18) that lies downstream of this variant has been determined to be pathogenic (Invitae). This suggests that deletion of this region of the DSP protein is causative of disease. This variant has not been reported in the literature in individuals with DSP-related disease. This variant is not present in population databases (ExAC no frequency). This sequence change results in a premature translational stop signal in the DSP gene (p.Val1821Serfs*15). While this is not anticipated to result in nonsense mediated decay, it is expected to disrupt the last 1051 amino acids of the DSP protein.

Stanford Center for Inherited Cardiovascular Disease, Stanford University
Classification: Likely pathogenic. Last evaluated: 2017-06-21. Review status: criteria provided, single submitter. Criteria: ACMG Guidelines, 2015. Collection method: provider interpretation. Allele origin: germline.